The following is an entry in ClinVar:

ClinVar aggregate classification (germline): Uncertain significance. Review status: criteria provided, multiple submitters, no conflicts (2 of 4 stars). 2 submissions from 2 submitters: Uncertain significance (2). Last evaluated 2025-05-21.

Conditions:
Inborn genetic diseases. Identifiers: MedGen C0950123, MeSH D030342.

Allele frequency attached by ClinVar (database versions not stated): ESP Exome Variant Server 0.00008; ExAC 0.00002.
gnomAD v4.1: 34 of 1,604,956 alleles (0.0021%); highest among the groups gnomAD compares: Admixed American, 0.01%; no homozygotes.

Submissions (2):

Labcorp Genetics (formerly Invitae), Labcorp
Classification: Uncertain significance. Last evaluated: 2025-05-21. Review status: criteria provided, single submitter. Criteria: Invitae Variant Classification Sherloc (09022015). Collection method: clinical testing. Allele origin: germline.
Comment: This sequence change replaces arginine, which is basic and polar, with cysteine, which is neutral and slightly polar, at codon 2525 of the ACAN protein (p.Arg2525Cys). The frequency data for this variant in the population databases is considered unreliable, as metrics indicate poor data quality at this position in the gnomAD database. This variant has not been reported in the literature in individuals affected with ACAN-related conditions. ClinVar contains an entry for this variant (Variation ID: 2723396). An algorithm developed to predict the effect of missense changes on protein structure and function (PolyPhen-2) suggests that this variant is likely to be disruptive. In summary, the available evidence is currently insufficient to determine the role of this variant in disease. Therefore, it has been classified as a Variant of Uncertain Significance.

Ambry Genetics
Classification: Uncertain significance for Inborn genetic diseases. Last evaluated: 2024-10-29. Review status: criteria provided, single submitter. Criteria: Ambry Variant Classification Scheme 2023. Collection method: clinical testing. Allele origin: germline.

NM_001369268.1(ACAN):c.7687C>T (p.Arg2563Cys)

Gene: ACAN (aggrecan; plus strand). Cytogenetic location: 15q26.1.
Variant type: single nucleotide variant.
Coding change: c.7687C>T on transcript NM_001369268.1 (MANE Select); coding-DNA position 7687, C replaced by T.
Protein change: p.Arg2563Cys; replaces arginine 2563 with cysteine.
Molecular consequence: missense variant.
Genome position (GRCh38, 1-based): chr15:88,874,461, C>T. VCF-style: chr15-88874461-C-T. GRCh37 (hg19) VCF-style: chr15-89417692-C-T.
Other names: c.7276C>T, p.Arg2426Cys (NM_001135.4); c.7459C>T, p.Arg2487Cys (NM_001411096.1); c.7573C>T, p.Arg2525Cys (NM_001411097.1, NM_013227.4); c.7573C>T (NM_013227.3); short protein forms R2525C, R2563C, R2426C, R2487C.
Identifiers: ClinVar variation 2723396 (VCV002723396.4), dbSNP rs368681276, ClinGen allele CA7720791.